The following is an entry in ClinVar:

NM_000059.4(BRCA2):c.10248A>T (p.Lys3416Asn)

Gene: BRCA2 (BRCA2 DNA repair associated; plus strand). Cytogenetic location: 13q13.1.
Variant type: single nucleotide variant.
Coding change: c.10248A>T on transcript NM_000059.4 (MANE Select); coding-DNA position 10248, A replaced by T.
Protein change: p.Lys3416Asn; replaces lysine 3416 with asparagine.
Molecular consequence: missense variant. On other transcripts: non-coding transcript variant (1).
Genome position (GRCh38, 1-based): chr13:32,398,761, A>T. VCF-style: chr13-32398761-A-T. GRCh37 (hg19) VCF-style: chr13-32972898-A-T.
Other names: c.10152A>T, p.Lys3384Asn (NM_001406719.1); c.10197A>T, p.Lys3399Asn (NM_001406720.1); c.5316A>T, p.Lys1772Asn (NM_001406721.1); c.3831A>T, p.Lys1277Asn (NM_001406722.1); short protein forms K1277N, K3399N, K1772N, K3384N, K3416N.
Identifiers: ClinVar variation 2772164 (VCV002772164.3), dbSNP rs2548565956, ClinGen allele CA387768673.
Genomic context (GRCh38, chr13:32,398,761, plus strand): 5'-TTCCCAGGCCAGTACGGAAGAATGTGAGAAAAATAAGCAGGACACAATTACAACTAAAAA[A>T]TATATCTAAGCATTTGCAAAGGCGACAATAAATTATTGACGCTTAACCTTTCCAGTTTAT-3'
Protein context (NP_000050.3, residues 3406-3418): KNKQDTITTK[Lys3416Asn]YI

ClinVar aggregate classification (germline): Uncertain significance (1 of 4 stars; one submission).

Conditions:
Hereditary breast ovarian cancer syndrome. Also called: Hereditary breast and ovarian cancer syndrome; Hereditary breast and ovarian cancer syndrome (HBOC); BRCA1- and BRCA2-Associated Hereditary Breast and Ovarian Cancer; Hereditary breast and ovarian cancer; Breast and ovarian cancer; Hereditary breast and/or ovarian cancer syndrome. Identifiers: Orphanet 145, MedGen C0677776, MeSH D061325, MONDO:0003582. Disease mechanism: loss of function.

Submission:

Labcorp Genetics (formerly Invitae), Labcorp
Classification: Uncertain significance for Hereditary breast ovarian cancer syndrome. Last evaluated: 2023-10-28. Review status: criteria provided, single submitter. Criteria: Invitae Variant Classification Sherloc (09022015). Collection method: clinical testing. Allele origin: germline.
Comment: This sequence change replaces lysine, which is basic and polar, with asparagine, which is neutral and polar, at codon 3416 of the BRCA2 protein (p.Lys3416Asn). This variant is not present in population databases (gnomAD no frequency). This variant has not been reported in the literature in individuals affected with BRCA2-related conditions. Advanced modeling of protein sequence and biophysical properties (such as structural, functional, and spatial information, amino acid conservation, physicochemical variation, residue mobility, and thermodynamic stability) performed at Invitae indicates that this missense variant is not expected to disrupt BRCA2 protein function with a negative predictive value of 95%. In summary, the available evidence is currently insufficient to determine the role of this variant in disease. Therefore, it has been classified as a Variant of Uncertain Significance.